The following is an entry in ClinVar:

NM_001003694.2(BRPF1):c.2545_2566dup (p.Ala856delinsGlyTer)

Gene: BRPF1 (bromodomain and PHD finger containing 1; plus strand). Cytogenetic location: 3p25.3.
Variant type: Duplication.
Coding change: c.2545_2566dup on transcript NM_001003694.2 (MANE Select); coding-DNA positions 2545 to 2566, 22 bases duplicated (GGTAGTCTGACACCCCACCCGG).
Protein change: p.Ala856delinsGlyTer.
Molecular consequence: nonsense. On other transcripts: non-coding transcript variant (1).
Genome position (GRCh38, 1-based): chr3:9,743,811-9,743,832, GGTAGTCTGACACCCCACCCGG duplicated; duplicating any 22 consecutive bases within chr3:9,743,807-9,743,832 gives the same sequence; the c. name uses the placement nearest the transcript's 3' end. VCF-style (leftmost placement, unchanged base first): chr3-9743806-G-GCCGGGGTAGTCTGACACCCCAC. GRCh37 (hg19) VCF-style: chr3-9785490-G-GCCGGGGTAGTCTGACACCCCAC.
Other names: c.2527_2548dup, p.Ala850delinsGlyTer (NM_001319049.2, NM_004634.3); c.2524_2545dup, p.Ala849delinsGlyTer (NM_001319050.2); c.2542_2563dup, p.Ala855delinsGlyTer (NM_001410704.1).
Identifiers: ClinVar variation 2672220 (VCV002672220.1), dbSNP rs2471502469, ClinGen allele CA2695197731.

ClinVar aggregate classification (germline): Pathogenic (1 of 4 stars; one submission).

Conditions:
Intellectual developmental disorder with dysmorphic facies and ptosis (IDDDFP). Identifiers: Orphanet 698090, MedGen C4310617, MONDO:0015022, OMIM 617333.

Submission:

Clinical Genomics Laboratory, Washington University in St. Louis
Classification: Pathogenic for Intellectual developmental disorder with dysmorphic facies and ptosis. Last evaluated: 2023-07-10. Review status: criteria provided, single submitter. Criteria: ACMG Guidelines, 2015. Collection method: clinical testing. Allele origin: germline. Affected: yes.
Comment: The BRPF1 c.2545_2566dup (p.Ala856fs) variant, to our knowledge, has not been reported in the medical literature and is absent from the general population (gnomAD v.2.1.1), indicating it is not a common variant. This variant causes a frameshift by duplicating 22 nucleotides, leading to a premature termination codon, which is predicted to lead to nonsense mediated decay. Additionally, other frameshifts in this region have been described in affected individuals and are considered pathogenic (Zu G et al., PMID: 36077605). Based on available information and the ACMG/AMP guidelines for variant interpretation (Richards S et al., PMID: 25741868), this variant is classified as pathogenic.